The following is an entry in ClinVar:

ClinVar aggregate classification (germline): Uncertain significance (1 of 4 stars; one submission).

Conditions:
Mucopolysaccharidosis, MPS-IV-A (MPS4A). Also called: Mucopolysaccharidosis type IV A; Mucopolysaccharidosis Type IVA; Morquio syndrome A, mild; MORQUIO SYNDROME A; MPS IVA; mucopolysaccharidosis type 4A. Identifiers: Orphanet 309297, Orphanet 582, MedGen C0086651, MONDO:0009659, OMIM 253000.

Submission:

Laboratory of Diagnosis and Therapy of Lysosomal Disorders, University of Padova
Classification: Uncertain significance for Mucopolysaccharidosis, MPS-IV-A. Last evaluated: 2021-02-01. Review status: criteria provided, single submitter. Criteria: ACMG Guidelines, 2015. Collection method: curation. Allele origin: germline. Affected: yes.
Comment: Absent from gnomAD v2.1.1 (PM2_moderate); multiple lines of computational evidence support a deleterious effect on the gene (PP3_supporting)

Literature cited by the submitters: PubMed 16287098; PubMed 9298823; PubMed 34387910.

NM_000512.5(GALNS):c.872C>A (p.Ala291Asp)

Gene: GALNS (galactosamine (N-acetyl)-6-sulfatase; minus strand). Cytogenetic location: 16q24.3.
Variant type: single nucleotide variant.
Coding change: c.872C>A on transcript NM_000512.5 (MANE Select); coding-DNA position 872, C replaced by A.
Protein change: p.Ala291Asp; replaces alanine 291 with aspartic acid.
Molecular consequence: missense variant.
Genome position (GRCh38, 1-based): chr16:88,835,239, G>T on the plus strand (C>A on the coding strand, the complement: GALNS is on the minus strand). VCF-style: chr16-88835239-G-T. GRCh37 (hg19) VCF-style: chr16-88901647-G-T.
Other names: c.317C>A, p.Ala106Asp (NM_001323543.2); c.890C>A, p.Ala297Asp (NM_001323544.2); short protein forms A106D, A291D, A297D.
Identifiers: ClinVar variation 1048476 (VCV001048476.3), dbSNP rs2143001123, ClinGen allele CA397076013.